The following is an entry in ClinVar:

ClinVar aggregate classification (germline): Uncertain significance. Review status: criteria provided, multiple submitters, no conflicts (2 of 4 stars). 3 submissions from 3 submitters: Uncertain significance (3). Last evaluated 2025-09-29.

Conditions:
Inborn genetic diseases. Identifiers: MedGen C0950123, MeSH D030342.

Allele frequency attached by ClinVar (database versions not stated): gnomAD 0.00003; TOPMed 0.00004; gnomAD exomes 0.00006; ExAC 0.00013.
gnomAD v4.1: 90 of 1,609,980 alleles (0.0056%); highest among the groups gnomAD compares: Middle Eastern, 0.099%; 1 homozygote.

Submissions (3):

Labcorp Genetics (formerly Invitae), Labcorp
Classification: Uncertain significance. Last evaluated: 2025-09-29. Review status: criteria provided, single submitter. Criteria: Invitae Variant Classification Sherloc (09022015). Collection method: clinical testing. Allele origin: germline.
Comment: This sequence change replaces arginine, which is basic and polar, with histidine, which is basic and polar, at codon 2309 of the OTOGL protein (p.Arg2309His). This variant is present in population databases (rs756670112, gnomAD 0.02%). This variant has not been reported in the literature in individuals affected with OTOGL-related conditions. ClinVar contains an entry for this variant (Variation ID: 3207269). An algorithm developed to predict the effect of missense changes on protein structure and function (PolyPhen-2) suggests that this variant is likely to be disruptive. In summary, the available evidence is currently insufficient to determine the role of this variant in disease. Therefore, it has been classified as a Variant of Uncertain Significance.

Ambry Genetics
Classification: Uncertain significance for Inborn genetic diseases. Last evaluated: 2024-02-21. Review status: criteria provided, single submitter. Criteria: Ambry Variant Classification Scheme 2023. Collection method: clinical testing. Allele origin: germline.

Blueprint Genetics
Classification: Uncertain significance. Last evaluated: 2024-01-19. Review status: criteria provided, single submitter. Criteria: ACMG Guidelines, 2015. Collection method: clinical testing. Allele origin: germline.

NM_001378609.3(OTOGL):c.6953G>A (p.Arg2318His)

Gene: OTOGL (otogelin like; plus strand). Cytogenetic location: 12q21.31.
Variant type: single nucleotide variant.
Coding change: c.6953G>A on transcript NM_001378609.3 (MANE Select); coding-DNA position 6953, G replaced by A.
Protein change: p.Arg2318His; replaces arginine 2318 with histidine.
Molecular consequence: missense variant.
Genome position (GRCh38, 1-based): chr12:80,377,939, G>A. VCF-style: chr12-80377939-G-A. GRCh37 (hg19) VCF-style: chr12-80771719-G-A.
Other names: c.6818G>A, p.Arg2273His (NM_001368062.3); c.6953G>A, p.Arg2318His (NM_001378610.3, NM_173591.7); short protein forms R2318H, R2273H.
Identifiers: ClinVar variation 3207269 (VCV003207269.3), dbSNP rs756670112, ClinGen allele CA6702204.